The following is an entry in ClinVar:

NM_001005242.3(PKP2):c.493G>T (p.Asp165Tyr)

Gene: PKP2 (plakophilin 2; minus strand). Cytogenetic location: 12p11.21.
Variant type: single nucleotide variant.
Coding change: c.493G>T on transcript NM_001005242.3 (MANE Select); coding-DNA position 493, G replaced by T.
Protein change: p.Asp165Tyr; replaces aspartic acid 165 with tyrosine.
Molecular consequence: missense variant.
Genome position (GRCh38, 1-based): chr12:32,878,387, C>A on the plus strand (G>T on the coding strand, the complement: PKP2 is on the minus strand). VCF-style: chr12-32878387-C-A. GRCh37 (hg19) VCF-style: chr12-33031321-C-A.
Other names: c.493G>T, p.Asp165Tyr (NM_001407155.1, NM_001407156.1, NM_001407157.1 and 2 more transcripts); c.166G>T, p.Asp56Tyr (NM_001407158.1, NM_001407159.1, NM_001407160.1 and 1 more transcripts); short protein forms D165Y, D56Y.
Identifiers: ClinVar variation 3933315 (VCV003933315.1).

ClinVar aggregate classification (germline): Uncertain significance (1 of 4 stars; one submission).

Conditions:
Cardiovascular phenotype. Identifiers: MedGen CN230736.

Submission:

Ambry Genetics
Classification: Uncertain significance for Cardiovascular phenotype. Last evaluated: 2025-04-10. Review status: criteria provided, single submitter. Criteria: Ambry Variant Classification Scheme 2023. Collection method: clinical testing. Allele origin: germline.
Comment: The p.D165Y variant (also known as c.493G>T), located in coding exon 3 of the PKP2 gene, results from a G to T substitution at nucleotide position 493. The aspartic acid at codon 165 is replaced by tyrosine, an amino acid with highly dissimilar properties. This amino acid position is conserved. In addition, the in silico prediction for this alteration is inconclusive. Based on the available evidence, the clinical significance of this variant remains unclear.